The following is an entry in ClinVar:

ClinVar aggregate classification (germline): Uncertain significance (1 of 4 stars; one submission).

Allele frequency attached by ClinVar (database versions not stated): ExAC 0.00001; gnomAD 0.00001.
gnomAD v4.1: 6 of 1,613,692 alleles (0.00037%); highest among the groups gnomAD compares: Non-Finnish European, 0.00051%; no homozygotes.

Submission:

Labcorp Genetics (formerly Invitae), Labcorp
Classification: Uncertain significance. Last evaluated: 2024-01-09. Review status: criteria provided, single submitter. Criteria: Invitae Variant Classification Sherloc (09022015). Collection method: clinical testing. Allele origin: germline.
Comment: This sequence change replaces isoleucine, which is neutral and non-polar, with threonine, which is neutral and polar, at codon 139 of the ABRAXAS1 protein (p.Ile139Thr). This variant is present in population databases (rs780316562, gnomAD 0.002%). This variant has not been reported in the literature in individuals affected with ABRAXAS1-related conditions. Advanced modeling of protein sequence and biophysical properties (such as structural, functional, and spatial information, amino acid conservation, physicochemical variation, residue mobility, and thermodynamic stability) performed at Invitae indicates that this missense variant is not expected to disrupt ABRAXAS1 protein function with a negative predictive value of 80%. In summary, the available evidence is currently insufficient to determine the role of this variant in disease. Therefore, it has been classified as a Variant of Uncertain Significance.

NM_139076.3(ABRAXAS1):c.416T>C (p.Ile139Thr)

Gene: ABRAXAS1 (abraxas 1, BRCA1 A complex subunit; minus strand). Cytogenetic location: 4q21.23.
Variant type: single nucleotide variant.
Coding change: c.416T>C on transcript NM_139076.3 (MANE Select); coding-DNA position 416, T replaced by C.
Protein change: p.Ile139Thr; replaces isoleucine 139 with threonine.
Molecular consequence: missense variant.
Genome position (GRCh38, 1-based): chr4:83,470,263, A>G on the plus strand (T>C on the coding strand, the complement: ABRAXAS1 is on the minus strand). VCF-style: chr4-83470263-A-G. GRCh37 (hg19) VCF-style: chr4-84391416-A-G.
Other names: c.89T>C, p.Ile30Thr (NM_001345962.2); short protein forms I139T, I30T.
Identifiers: ClinVar variation 2896658 (VCV002896658.3), dbSNP rs780316562, ClinGen allele CA2990558.